The following is an entry in ClinVar:

NM_003482.4(KMT2D):c.6540C>A (p.Ala2180=)

Gene: KMT2D (lysine methyltransferase 2D; minus strand). Cytogenetic location: 12q13.12.
Variant type: single nucleotide variant.
Coding change: c.6540C>A on transcript NM_003482.4 (MANE Select); coding-DNA position 6540, C replaced by A.
Protein change: p.Ala2180=; no amino-acid change (alanine 2180 retained).
Molecular consequence: synonymous variant.
Genome position (GRCh38, 1-based): chr12:49,041,230, G>T on the plus strand (C>A on the coding strand, the complement: KMT2D is on the minus strand). VCF-style: chr12-49041230-G-T. GRCh37 (hg19) VCF-style: chr12-49435013-G-T.
Identifiers: ClinVar variation 3765591 (VCV003765591.1).
Genomic context (GRCh38, chr12:49,041,230, plus strand): 5'-AGGATAGGGGGGATAGGTGGGCGGTGCCGTGGGGAAGCGGGGCTCCAGGGGATAGGCAGG[G>T]GCCAGTCCAAAGGGGTCCTGCGAAGGCACTTGGGCGGGCACCTGGGGTGGGAGCTTGAGG-3'
Protein context (NP_003473.3, residues 2170-2190): QVPSQDPFGL[Ala2180=]PAYPLEPRFP

ClinVar aggregate classification (germline): Uncertain significance (1 of 4 stars; one submission).

Submission:

Greenwood Genetic Center Diagnostic Laboratories, Greenwood Genetic Center
Classification: Uncertain significance. Last evaluated: 2024-08-15. Review status: criteria provided, single submitter. Criteria: ACMG Guidelines, 2015. Collection method: clinical testing. Allele origin: germline. Affected: yes.
Comment: PM2, BP4, PP2